The following is an entry in ClinVar:

NM_017777.4(MKS1):c.1601G>A (p.Arg534Gln)

Gene: MKS1 (MKS transition zone complex subunit 1; minus strand). Cytogenetic location: 17q22.
Variant type: single nucleotide variant.
Coding change: c.1601G>A on transcript NM_017777.4 (MANE Select); coding-DNA position 1601, G replaced by A.
Protein change: p.Arg534Gln; replaces arginine 534 with glutamine.
Molecular consequence: missense variant. On other transcripts: synonymous variant (1), 3 prime UTR variant (1).
Genome position (GRCh38, 1-based): chr17:58,206,158, C>T on the plus strand (G>A on the coding strand, the complement: MKS1 is on the minus strand). VCF-style: chr17-58206158-C-T. GRCh37 (hg19) VCF-style: chr17-56283519-C-T.
Other names: MKS1, ARG534GLN (rs199910690); c.992G>A, p.Arg331Gln (NM_001321268.2); c.1518G>A, p.Ser506= (NM_001321269.2); c.*13G>A (NM_001330397.2); short protein forms R534Q, R331Q.
Identifiers: ClinVar variation 183012 (VCV000183012.30), dbSNP rs199910690, ClinGen allele CA273756.

ClinVar aggregate classification (germline): Conflicting classifications of pathogenicity. Review status: criteria provided, conflicting classifications (1 of 4 stars). 11 submissions from 11 submitters: Uncertain significance (5); Benign (1); Likely benign (1). 4 of the submissions do not count toward it. Last evaluated 2026-01-05.

Conditions:
Joubert syndrome 28 (JBTS28). Identifiers: MedGen C4310705, MONDO:0014928, OMIM 617121.
Bardet-Biedl syndrome 13 (BBS13). Identifiers: Orphanet 110, MedGen C2673873, MONDO:0014441, OMIM 615990.
Meckel syndrome, type 1 (MKS1). Also called: MECKEL-GRUBER SYNDROME, TYPE 1. Identifiers: Orphanet 564, MedGen C3714506, MONDO:0009571, OMIM 249000.
MKS1-related disorder. Also called: MKS1-related condition; MKS1-related disorders. Identifiers: MedGen CN239382.
Joubert syndrome. Also called: JOUBERT-BOLTSHAUSER SYNDROME; Familial aplasia of the vermis. Identifiers: Orphanet 475, MedGen C5979921, MONDO:0018772.
Meckel-Gruber syndrome. Also called: DYSENCEPHALIA SPLANCHNOCYSTICA; GRUBER SYNDROME; Dysencephalia splachnocystica. Identifiers: Orphanet 564, MedGen C0265215, MONDO:0018921.
Microcephaly. Also called: Microcephaly (disease). Identifiers: MedGen C4551563, MONDO:0001149, HP:0000252.

Allele frequency attached by ClinVar (database versions not stated): gnomAD 0.00011 and 0.00015; TOPMed 0.00013; gnomAD exomes 0.00023; ExAC 0.00029; 1000 Genomes Project 30x 0.00062; 1000 Genomes Project 0.00080.
gnomAD v4.1: 107 of 1,613,714 alleles (0.0066%); highest among the groups gnomAD compares: East Asian, 0.2%; no homozygotes.

Submissions (11):

GeneDx
Classification: Uncertain significance. Last evaluated: 2026-01-05. Review status: criteria provided, single submitter. Criteria: GeneDx Variant Classification Process June 2021. Collection method: clinical testing. Allele origin: germline. Affected: yes.
Comment: Reported with a second variant, phase unknown, in patients with MKS1-related disorders in published literature (PMID: 24608809, 30076350); In silico analysis suggests that this missense variant does not alter protein structure/function; This variant is associated with the following publications: (PMID: 24608809, 34426522, 38617006, 31964843, 33584783, 30076350)

Labcorp Genetics (formerly Invitae), Labcorp
Classification: Likely benign for Joubert syndrome; Meckel-Gruber syndrome. Last evaluated: 2025-12-31. Review status: criteria provided, single submitter. Criteria: Invitae Variant Classification Sherloc (09022015). Collection method: clinical testing. Allele origin: germline.

Blueprint Genetics
Classification: Benign. Last evaluated: 2024-10-17. Review status: criteria provided, single submitter. Criteria: ACMG Guidelines, 2015. Collection method: clinical testing. Allele origin: germline.

New York Genome Center
Classification: Uncertain significance for Bardet-Biedl syndrome 13; Joubert syndrome 28; Meckel syndrome, type 1. Last evaluated: 2021-12-10. Review status: criteria provided, single submitter. Criteria: NYGC Assertion Criteria 2020. Collection method: clinical testing. Allele origin: germline. Observed: 1 heterozygote.

Women's Health and Genetics/Laboratory Corporation of America, LabCorp
Classification: Uncertain significance. Last evaluated: 2021-11-24. Review status: criteria provided, single submitter. Criteria: LabCorp Variant Classification Summary - May 2015. Collection method: clinical testing. Allele origin: germline.
Comment: Variant summary: MKS1 c.1601G>A (p.Arg534Gln) results in a conservative amino acid change in the encoded protein sequence. Three of five in-silico tools predict a damaging effect of the variant on protein function. The variant allele was found at a frequency of 0.00023 in 248576 control chromosomes, predominantly at a frequency of 0.003 within the East Asian subpopulation in the gnomAD database. The observed variant frequency within East Asian control individuals in the gnomAD database is approximately 2.7 fold of the estimated maximal expected allele frequency for a pathogenic variant in MKS1 causing Meckel Syndrome Type 1 phenotype (0.0011), strongly suggesting that the variant is a benign polymorphism found primarily in populations of East Asian origin. c.1601G>A has been reported in the literature as a compound heterozygous genotype in at-least two comprehensively genotyped individuals with features of Bardet-Biedl syndrome (BBS) or a reported diagnosis of Joubert Syndrome 28;Bardet-Biedl Syndrome 13 (example, Xing_2014, Sun_2018) and as a non-informative genotype in one individual among of cohort of individuals with microcephaly analyzed by whole exome sequencing (example, Lee_2020). These data indicate that the variant may be associated with disease but do not provide unequivocal conclusions about the association of this variant with Meckel Syndrome Type 1 phenotype. To our knowledge, no experimental evidence demonstrating an impact on protein function has been reported. Four clinical diagnostic laboratories have submitted clinical-significance assessments for this variant to ClinVar after 2014 without evidence for independent evaluation (VUS, n=1; likely benign, n=3). Based on the evidence outlined above, the variant was classified as VUS-possibly benign.

Eurofins Ntd Llc (ga)
Classification: Uncertain significance. Last evaluated: 2018-02-22. Review status: criteria provided, single submitter. Criteria: EGL ClinVar v180209 classification definitions. Collection method: clinical testing. Allele origin: germline. Observed: 2 variant alleles, 2 heterozygotes.

Juno Genomics, Hangzhou Juno Genomics, Inc
Classification: Uncertain significance for Meckel syndrome, type 1. Review status: criteria provided, single submitter. Criteria: ACMG Guidelines, 2015. Collection method: clinical testing. Allele origin: germline.
Comment: Absent from controls (or at extremely low frequency if recessive) in Genome Aggregation Database.;Multiple lines of computational evidence support a deleterious effect on the gene or gene product.

PreventionGenetics, part of Exact Sciences
Classification: Likely benign for MKS1-related condition. Last evaluated: 2024-09-12. Review status: no assertion criteria provided. Collection method: clinical testing. Allele origin: germline. Not counted in ClinVar's aggregate classification.
Comment: This variant is classified as likely benign based on ACMG/AMP sequence variant interpretation guidelines (Richards et al. 2015 PMID: 25741868, with internal and published modifications).

Natera, Inc.
Classification: Likely benign for Meckel syndrome type 1. Last evaluated: 2020-09-16. Review status: no assertion criteria provided. Collection method: clinical testing. Allele origin: germline. Not counted in ClinVar's aggregate classification.

OMIM
Classification: Pathogenic for BARDET-BIEDL SYNDROME 13. Last evaluated: 2014-01-01. Review status: no assertion criteria provided. Collection method: literature only. Allele origin: germline. Not counted in ClinVar's aggregate classification.

Department of Pediatrics, Samsung Medical Center, Samsung Medical Center
Classification: Uncertain significance for Microcephaly. Review status: no assertion criteria provided. Criteria: ACMG Guidelines, 2015. Collection method: research. Allele origin: germline. Affected: yes. Not counted in ClinVar's aggregate classification.

Literature cited by the submitters: PubMed 24608809 (cited by Women's Health and Genetics/Laboratory Corporation of America, LabCorp and OMIM); PubMed 33584783 (cited by Women's Health and Genetics/Laboratory Corporation of America, LabCorp); PubMed 30076350 (cited by Women's Health and Genetics/Laboratory Corporation of America, LabCorp).